The following is an entry in ClinVar:

NM_000550.3(TYRP1):c.708+4T>C

Gene: TYRP1 (tyrosinase related protein 1; plus strand). Cytogenetic location: 9p23.
Variant type: single nucleotide variant.
Coding change: c.708+4T>C on transcript NM_000550.3 (MANE Select); 4 bases into the intron after coding-DNA position 708, T replaced by C.
Molecular consequence: intron variant.
Genome position (GRCh38, 1-based): chr9:12,695,841, T>C. VCF-style: chr9-12695841-T-C. GRCh37 (hg19) VCF-style: chr9-12695841-T-C.
Identifiers: ClinVar variation 2161382 (VCV002161382.2), dbSNP rs369072891, ClinGen allele CA4985283.

ClinVar aggregate classification (germline): Uncertain significance (1 of 4 stars; one submission).

Allele frequency attached by ClinVar (database versions not stated): gnomAD exomes 0.00001; gnomAD 0.00007; TOPMed 0.00008; ESP Exome Variant Server 0.00015.
gnomAD v4.1: 20 of 1,613,674 alleles (0.0012%); highest among the groups gnomAD compares: African/African-American, 0.027%; no homozygotes.

Submission:

Labcorp Genetics (formerly Invitae), Labcorp
Classification: Uncertain significance. Last evaluated: 2024-01-19. Review status: criteria provided, single submitter. Criteria: Invitae Variant Classification Sherloc (09022015). Collection method: clinical testing. Allele origin: germline.
Comment: This sequence change falls in intron 3 of the TYRP1 gene. It does not directly change the encoded amino acid sequence of the TYRP1 protein. It affects a nucleotide within the consensus splice site. This variant is present in population databases (rs369072891, gnomAD 0.03%). This variant has not been reported in the literature in individuals affected with TYRP1-related conditions. ClinVar contains an entry for this variant (Variation ID: 2161382). Variants that disrupt the consensus splice site are a relatively common cause of aberrant splicing (PMID: 17576681, 9536098). Algorithms developed to predict the effect of sequence changes on RNA splicing suggest that this variant is not likely to affect RNA splicing. In summary, the available evidence is currently insufficient to determine the role of this variant in disease. Therefore, it has been classified as a Variant of Uncertain Significance.

Literature cited by the submitters: PubMed 17576681; PubMed 9536098.